The following is an entry in ClinVar:

ClinVar aggregate classification (germline): Benign/Likely benign. Review status: criteria provided, multiple submitters, no conflicts (2 of 4 stars). 3 submissions from 3 submitters: Benign (2); Likely benign (1). Last evaluated 2026-02-04.

Allele frequency attached by ClinVar (database versions not stated): gnomAD 0.00024 and 0.00042; TOPMed 0.00040; gnomAD exomes 0.00053 and 0.00072; ExAC 0.00088; 1000 Genomes Project 30x 0.00203; 1000 Genomes Project 0.00240.
gnomAD v4.1: 823 of 1,609,342 alleles (0.051%); highest among the groups gnomAD compares: East Asian, 1.8%; 13 homozygotes.

Submissions (3):

Labcorp Genetics (formerly Invitae), Labcorp
Classification: Benign. Last evaluated: 2026-02-04. Review status: criteria provided, single submitter. Criteria: Invitae Variant Classification Sherloc (09022015). Collection method: clinical testing. Allele origin: germline.

Women's Health and Genetics/Laboratory Corporation of America, LabCorp
Classification: Benign. Last evaluated: 2020-07-02. Review status: criteria provided, single submitter. Criteria: LabCorp Variant Classification Summary - May 2015. Collection method: clinical testing. Allele origin: germline. Inheritance: Autosomal recessive inheritance.
Comment: Variant summary: HBB c.316-45G>C alters a non-conserved nucleotide located at a position not widely known to affect splicing. 4/4 computational tools predict no significant impact on normal splicing. However, these predictions have yet to be confirmed by functional studies. The variant allele was found at a frequency of 0.00072 in 249984 control chromosomes, predominantly at a frequency of 0.0097 within the East Asian subpopulation in the gnomAD database, including 2 homozygotes. This frequency is close to that estimated for a pathogenic variant in HBB causing Hemoglobinopathy (0.0097 vs 0.011) suggesting this variant is possibly a benign polymorphism primarily found in the East Asian subpopulation. To our knowledge, no occurrence of c.316-45G>C in individuals affected with Hemoglobinopathy and no experimental evidence demonstrating its impact on protein function have been reported. Two clinical diagnostic laboratories have submitted clinical-significance assessments for this variant to ClinVar after 2014 without evidence for independent evaluation. All laboratories classified the variant as benign/likely benign. Additionally, both the LOVD (locus specific database for HBB) and the IthaNet databases report this variant with a classification of benign/neutral polymorphism respectively. We have followed this variant for over three years since its initial observation at our laboratory and previously classified this variant as VUS-possibly benign due to the absence of clinical and functional evidence supporting an actionable outcome. However, the emerging consensus seem to converge on a benign outcome. Based on the evidence outlined above, the variant was re-classified as benign.

ARUP Laboratories, Molecular Genetics and Genomics, ARUP Laboratories
Classification: Likely benign. Last evaluated: 2019-06-29. Review status: criteria provided, single submitter. Criteria: ARUP Molecular Germline Variant Investigation Process. Collection method: clinical testing. Allele origin: germline.

NM_000518.5(HBB):c.316-45G>C

Genes: HBB (hemoglobin subunit beta; minus strand), LOC107133510 (origin of replication at HBB; plus strand), LOC110006319 (beta-globin gene 3' regulatory region; plus strand). Cytogenetic location: 11p15.4.
Variant type: single nucleotide variant.
Coding change: c.316-45G>C on transcript NM_000518.5 (MANE Select); 45 bases into the intron before coding-DNA position 316, G replaced by C.
Molecular consequence: intron variant.
Genome position (GRCh38, 1-based): chr11:5,225,771, C>G on the plus strand (G>C on the coding strand, the complement: HBB is on the minus strand). VCF-style: chr11-5225771-C-G. GRCh37 (hg19) VCF-style: chr11-5247001-C-G.
Identifiers: ClinVar variation 495995 (VCV000495995.21), dbSNP rs140033163, ClinGen allele CA5839725.